The following is an entry in ClinVar:

ClinVar aggregate classification (germline): Uncertain significance (1 of 4 stars; one submission).

Conditions:
3-methylglutaconic aciduria, type VIIB (MGCA7B). Also called: CLPB Deficiency; 3-methylglutaconic aciduria with cataracts, neurologic involvement and neutropenia; 3-methylglutaconic aciduria, type VII, with cataracts, neurologic involvement and neutropenia. Identifiers: Orphanet 445038, MedGen C5676893, MONDO:0014561, OMIM 616271.

gnomAD v4.1: 2 of 1,614,192 alleles (0.00012%); highest among the groups gnomAD compares: Non-Finnish European, 0.00017%; no homozygotes.

Submission:

Labcorp Genetics (formerly Invitae), Labcorp
Classification: Uncertain significance for 3-methylglutaconic aciduria, type VIIB. Last evaluated: 2025-03-12. Review status: criteria provided, single submitter. Criteria: Invitae Variant Classification Sherloc (09022015). Collection method: clinical testing. Allele origin: germline.
Comment: This sequence change replaces lysine, which is basic and polar, with arginine, which is basic and polar, at codon 541 of the CLPB protein (p.Lys541Arg). This variant is not present in population databases (gnomAD no frequency). This variant has not been reported in the literature in individuals affected with CLPB-related conditions. An algorithm developed to predict the effect of missense changes on protein structure and function outputs the following: PolyPhen-2: "Possibly Damaging". The arginine amino acid residue is found in multiple mammalian species, which suggests that this missense change does not adversely affect protein function. In summary, the available evidence is currently insufficient to determine the role of this variant in disease. Therefore, it has been classified as a Variant of Uncertain Significance.

NM_001258392.3(CLPB):c.1532A>G (p.Lys511Arg)

Gene: CLPB (ClpB family mitochondrial disaggregase; minus strand). Cytogenetic location: 11q13.4.
Variant type: single nucleotide variant.
Coding change: c.1532A>G on transcript NM_001258392.3 (MANE Select); coding-DNA position 1532, A replaced by G.
Protein change: p.Lys511Arg; replaces lysine 511 with arginine.
Molecular consequence: missense variant.
Genome position (GRCh38, 1-based): chr11:72,294,648, T>C on the plus strand (A>G on the coding strand, the complement: CLPB is on the minus strand). VCF-style: chr11-72294648-T-C. GRCh37 (hg19) VCF-style: chr11-72005692-T-C.
Other names: c.1445A>G, p.Lys482Arg (NM_001258393.3); c.1487A>G, p.Lys496Arg (NM_001258394.3); c.1622A>G, p.Lys541Arg (NM_030813.6); short protein forms K482R, K496R, K511R, K541R.
Identifiers: ClinVar variation 4776203 (VCV004776203.1).